The following is an entry in ClinVar:

ClinVar aggregate classification (germline): Uncertain significance. Review status: criteria provided, multiple submitters, no conflicts (2 of 4 stars). 8 submissions from 8 submitters: Uncertain significance (8). Last evaluated 2026-02-04.

Conditions:
CASP8-related disorder. Also called: CASP8-related condition.
Autoimmune lymphoproliferative syndrome type 2B. Also called: AUTOIMMUNE LYMPHOPROLIFERATIVE SYNDROME, TYPE IIB. Identifiers: Orphanet 275517, MedGen C1846545, MONDO:0011804, OMIM 607271.

Allele frequency attached by ClinVar (database versions not stated): TOPMed 0.00016; gnomAD 0.00017 and 0.00018; 1000 Genomes Project 0.00020; ExAC 0.00023; gnomAD exomes 0.00027 and 0.00033; 1000 Genomes Project 30x 0.00031; ESP Exome Variant Server 0.00046.
gnomAD v4.1: 499 of 1,614,154 alleles (0.031%); highest among the groups gnomAD compares: Middle Eastern, 1.4%; 3 homozygotes.

Submissions (8):

Women's Health and Genetics/Laboratory Corporation of America, LabCorp
Classification: Uncertain significance. Last evaluated: 2026-02-04. Review status: criteria provided, single submitter. Criteria: LabCorp Variant Classification Summary - May 2015. Collection method: clinical testing. Allele origin: germline.
Comment: Variant summary: CASP8 c.528A>G (p.Ile176Met) results in a conservative amino acid change in the encoded protein sequence. Algorithms developed to predict the effect of missense changes on protein structure and function all suggest that this variant is likely to be tolerated. The variant allele was found at a frequency of 0.00027 in 251382 control chromosomes. This frequency is not significantly higher than estimated for disease-causing variants in CASP8, allowing no conclusion about variant significance. c.528A>G has been observed in an individual affected with early onset inflammatory bowel disease (Kelsen_2015). These report(s) do not provide unequivocal conclusions about association of the variant with Autoimmune lymphoproliferative syndrome type 2B. To our knowledge, no experimental evidence demonstrating an impact on protein function has been reported. The following publication have been ascertained in the context of this evaluation (PMID: 26193622). ClinVar contains an entry for this variant (Variation ID: 333499). Based on the evidence outlined above, the variant was classified as uncertain significance.

Labcorp Genetics (formerly Invitae), Labcorp
Classification: Uncertain significance for Autoimmune lymphoproliferative syndrome type 2B. Last evaluated: 2024-12-24. Review status: criteria provided, single submitter. Criteria: Invitae Variant Classification Sherloc (09022015). Collection method: clinical testing. Allele origin: germline.
Comment: This sequence change replaces isoleucine, which is neutral and non-polar, with methionine, which is neutral and non-polar, at codon 176 of the CASP8 protein (p.Ile176Met). This variant is present in population databases (rs149933993, gnomAD 0.2%). This variant has not been reported in the literature in individuals affected with CASP8-related conditions. ClinVar contains an entry for this variant (Variation ID: 333499). Invitae Evidence Modeling of protein sequence and biophysical properties (such as structural, functional, and spatial information, amino acid conservation, physicochemical variation, residue mobility, and thermodynamic stability) indicates that this missense variant is not expected to disrupt CASP8 protein function with a negative predictive value of 80%. In summary, the available evidence is currently insufficient to determine the role of this variant in disease. Therefore, it has been classified as a Variant of Uncertain Significance.

PreventionGenetics, part of Exact Sciences
Classification: Uncertain significance for CASP8-related condition. Last evaluated: 2024-11-11. Review status: criteria provided, single submitter. Criteria: ACMG Guidelines, 2015. Collection method: clinical testing. Allele origin: germline.
Comment: The CASP8 c.528A>G variant is predicted to result in the amino acid substitution p.Ile176Met. This variant has been reported in a patient with primary immunodeficiency (described as p.Ile203Met, Table S2, Kelsen et al. 2015. PubMed ID: 26193622). This variant is reported in 0.17% of alleles in individuals of Ashkenazi Jewish descent in gnomAD, which may be too common to be causative. Although we suspect that this variant may be benign, at this time, the clinical significance of this variant is uncertain due to the absence of conclusive functional and genetic evidence.

Blueprint Genetics
Classification: Uncertain significance. Last evaluated: 2024-10-28. Review status: criteria provided, single submitter. Criteria: ACMG Guidelines, 2015. Collection method: clinical testing. Allele origin: germline.

CeGaT Center for Human Genetics Tuebingen
Classification: Uncertain significance. Last evaluated: 2023-09-01. Review status: criteria provided, single submitter. Criteria: CeGaT Center For Human Genetics Tuebingen Variant Classification Criteria Version 2. Collection method: clinical testing. Allele origin: germline. Affected: yes. Observed: 1 variant allele.
Comment: CASP8: PM2, BP4

Baylor Genetics
Classification: Uncertain significance for Autoimmune lymphoproliferative syndrome type 2B. Last evaluated: 2019-12-16. Review status: criteria provided, single submitter. Criteria: ACMG Guidelines, 2015. Collection method: clinical testing. Allele origin: unknown. Affected: yes.
Comment: This variant was determined to be of uncertain significance according to ACMG Guidelines, 2015 [PMID:25741868].

Illumina Laboratory Services, Illumina
Classification: Uncertain significance for Autoimmune lymphoproliferative syndrome type 2B. Last evaluated: 2018-01-12. Review status: criteria provided, single submitter. Criteria: ICSL Variant Classification Criteria 13 December 2019. Collection method: clinical testing. Allele origin: germline.

Breakthrough Genomics
Classification: Uncertain significance. Review status: criteria provided, single submitter. Criteria: ACMG Guidelines, 2015. Collection method: not provided. Allele origin: germline. Inheritance: Autosomal recessive inheritance. Affected: yes.

Literature cited by the submitters: PubMed 26193622 (cited by Women's Health and Genetics/Laboratory Corporation of America, LabCorp).

NM_001372051.1(CASP8):c.432A>G (p.Ile144Met)

Gene: CASP8 (caspase 8; plus strand). Cytogenetic location: 2q33.1.
Variant type: single nucleotide variant.
Coding change: c.432A>G on transcript NM_001372051.1 (MANE Select); coding-DNA position 432, A replaced by G.
Protein change: p.Ile144Met; replaces isoleucine 144 with methionine.
Molecular consequence: missense variant. On other transcripts: 5 prime UTR variant (11), non-coding transcript variant (22).
Genome position (GRCh38, 1-based): chr2:201,272,658, A>G. VCF-style: chr2-201272658-A-G. GRCh37 (hg19) VCF-style: chr2-202137381-A-G.
Other names: c.432A>G, p.Ile144Met (NM_001080124.2, NM_001400645.1, NM_001400648.1 and 20 more transcripts); c.609A>G, p.Ile203Met (NM_001080125.2, NM_001400642.1, NM_001400665.1); c.528A>G, p.Ile176Met (NM_001228.5); c.-101A>G (NM_001400678.1, NM_001400750.1, NM_001400751.1 and 6 more transcripts); c.-180A>G (NM_001400680.1); c.123A>G, p.Ile41Met (NM_001400669.1); c.-282A>G (NM_001400674.1); short protein forms I144M, I176M, I203M, I41M.
Identifiers: ClinVar variation 333499 (VCV000333499.41), dbSNP rs149933993, ClinGen allele CA2053559.